The following is an entry in ClinVar:

NM_000163.5(GHR):c.669_674del (p.Asp223_Lys224del)

Gene: GHR (growth hormone receptor; plus strand). Cytogenetic location: 5p12.
Variant type: Deletion.
Coding change: c.669_674del on transcript NM_000163.5 (MANE Select); coding-DNA positions 669 to 674, 6 bases deleted (TAAGGA; older notation c.669_674delTAAGGA).
Protein change: p.Asp223_Lys224del.
Molecular consequence: inframe deletion.
Genome position (GRCh38, 1-based): chr5:42,711,257-42,711,262, TAAGGA deleted; deleting any 6 consecutive bases within chr5:42,711,254-42,711,262 gives the same sequence; the c. name uses the placement nearest the transcript's 3' end. VCF-style (leftmost placement, unchanged base first): chr5-42711253-TGGATAA-T. GRCh37 (hg19) VCF-style: chr5-42711355-TGGATAA-T.
Other names: c.669_674del, p.Asp223_Lys224del (NM_001242400.2, NM_001242401.4, NM_001242402.2 and 5 more transcripts); c.603_608del, p.Asp201_Lys202del (NM_001242460.2); c.690_695del, p.Asp230_Lys231del (NM_001242399.2).
Identifiers: ClinVar variation 3382732 (VCV003382732.2).
Genomic context (GRCh38, chr5:42,711,253, plus strand): 5'-TTTTGTCTTGAAAGATGGACCCTATATTGACAACATCAGTTCCAGTGTACTCATTGAAAG[TGGATAA>T]GGAATATGAAGTGCGTGTGAGATCCAAACAACGAAACTCTGGAAATTATGGCGAGTTCAG-3'

ClinVar aggregate classification (germline): Uncertain significance (1 of 4 stars; one submission).

Conditions:
Hypercholesterolemia, familial, 1. Also called: HYPERCHOLESTEROLEMIA, FAMILIAL, MODIFIER OF; LDL RECEPTOR DISORDER; Hyperlipoproteinemia Type IIa; HYPER-LOW-DENSITY-LIPOPROTEINEMIA; HYPERCHOLESTEROLEMIC XANTHOMATOSIS, FAMILIAL; Fredrickson type IIa hyperlipoproteinemia. Identifiers: Orphanet 391665, MedGen C0745103, MONDO:0007750, OMIM 143890.
Laron-type isolated somatotropin defect. Also called: Growth hormone binding protein deficiency or dysfunction; Growth hormone receptor deficiency or dysfunction; Laron dwarfism; Laron type pituitary dwarfism I; GROWTH HORMONE RECEPTOR DEFICIENCY; Laron Syndrome. Identifiers: Orphanet 633, MedGen C0271568, MONDO:0009877, OMIM 262500.
Short stature due to partial GHR deficiency. Also called: Growth hormone, insensitivity to, partial; GROWTH HORMONE INSENSITIVITY, PARTIAL; GROWTH HORMONE DEFICIENCY, ISOLATED PARTIAL. Identifiers: Orphanet 314802, Orphanet 314811, MedGen C1858656, MONDO:0011420, OMIM 604271.

Submission:

Juno Genomics, Hangzhou Juno Genomics, Inc
Classification: Uncertain significance for Hypercholesterolemia, familial, 1; Short stature due to partial GHR deficiency; Laron-type isolated somatotropin defect. Review status: criteria provided, single submitter. Criteria: ACMG Guidelines, 2015. Collection method: clinical testing. Allele origin: germline. Affected: yes.
Comment: Absent from controls (or at extremely low frequency if recessive) in Genome Aggregation Database, Exome Sequencing Project, 1000 Genomes Project, or Exome Aggregation Consortium.;Protein length changes due to in-frame deletions/insertions in a non-repeat region or stop-loss variants.